The following is an entry in ClinVar:

ClinVar aggregate classification (germline): Uncertain significance (1 of 4 stars; one submission).

Conditions:
Hypertrophic cardiomyopathy 26. Also called: Cardiomyopathy, familial hypertrophic, 26. Identifiers: Orphanet 75249, MedGen C4310749, MONDO:0014883, OMIM 617047.
Myofibrillar myopathy 5. Also called: Filaminopathy (type); FILAMINOPATHY, AUTOSOMAL DOMINANT. Identifiers: Orphanet 171445, MedGen C1836050, MONDO:0012289, OMIM 609524.
Distal myopathy with posterior leg and anterior hand involvement. Also called: WILLIAMS DISTAL MYOPATHY. Identifiers: Orphanet 63273, MedGen C3279722, MONDO:0013550, OMIM 614065.

Submission:

Labcorp Genetics (formerly Invitae), Labcorp
Classification: Uncertain significance for Distal myopathy with posterior leg and anterior hand involvement; Myofibrillar myopathy 5; Hypertrophic cardiomyopathy 26. Last evaluated: 2026-01-13. Review status: criteria provided, single submitter. Criteria: Invitae Variant Classification Sherloc (09022015). Collection method: clinical testing. Allele origin: germline.
Comment: This sequence change replaces asparagine, which is neutral and polar, with valine, which is neutral and non-polar, at codon 1420 of the FLNC protein (p.Asn1420Val). Information on the frequency of this variant in the gnomAD database is not available, as this variant may be reported differently in the database. This variant has not been reported in the literature in individuals affected with FLNC-related conditions. An algorithm developed to predict the effect of missense changes on protein structure and function (PolyPhen-2) suggests that this variant is likely to be disruptive. In summary, the available evidence is currently insufficient to determine the role of this variant in disease. Therefore, it has been classified as a Variant of Uncertain Significance.

NM_001458.5(FLNC):c.4258_4259delinsGT (p.Asn1420Val)

Gene: FLNC (filamin C; plus strand). Cytogenetic location: 7q32.1.
Variant type: Indel.
Coding change: c.4258_4259delinsGT on transcript NM_001458.5 (MANE Select); coding-DNA positions 4258 to 4259, AA replaced by GT.
Protein change: p.Asn1420Val; replaces asparagine 1420 with valine.
Molecular consequence: missense variant.
Genome position (GRCh38, 1-based): chr7:128,846,875-128,846,876, AA replaced by GT. VCF-style: chr7-128846875-AA-GT. GRCh37 (hg19) VCF-style: chr7-128486929-AA-GT.
Other names: c.4258_4259delinsGT, p.Asn1420Val (NM_001127487.2); short protein forms N1420V.
Identifiers: ClinVar variation 4812584 (VCV004812584.1).
Genomic context (GRCh38, chr7:128,846,875, plus strand): 5'-AACAAGGATGGTAGCTGCACCGTGGAGTACATCCCCTTCACTCCTGGAGACTATGACGTC[AA>GT]CATCACCTTCGGGGGGCGGCCCATCCCAGGTGTGCAGAGAGAGTGGTCGGGGTCTCAGGG-3'
Protein context (NP_001449.3, residues 1410-1430): IPFTPGDYDV[Asn1420Val]ITFGGRPIPG